The following is an entry in ClinVar:

ClinVar aggregate classification (germline): Benign/Likely benign. Review status: criteria provided, multiple submitters, no conflicts (2 of 4 stars). 3 submissions from 3 submitters: Benign (2); Likely benign (1). Last evaluated 2018-01-13.

Conditions:
Ehlers-Danlos syndrome, classic type, 2 (EDSCL2). Also called: Ehlers-Danlos syndrome type 2 (formerly); Ehlers-Danlos syndrome, type 2; Ehlers-Danlos Syndrome, Classic Type, COL5A2-Related. Identifiers: Orphanet 287, Orphanet 90318, MedGen C0268336, MONDO:0019568, OMIM 130010.

Allele frequency attached by ClinVar (database versions not stated): ExAC 0.00390; ESP Exome Variant Server 0.00831; 1000 Genomes Project 30x 0.00562; gnomAD exomes 0.00236; gnomAD 0.00807 and 0.00750; 1000 Genomes Project 0.00559; TOPMed 0.00808.
gnomAD v4.1: 2,588 of 1,575,712 alleles (0.16%); highest among the groups gnomAD compares: African/African-American, 2.6%; 31 homozygotes.

Submissions (3):

Illumina Laboratory Services, Illumina
Classification: Benign for Ehlers-Danlos syndrome, classic type, 2. Last evaluated: 2018-01-13. Review status: criteria provided, single submitter. Criteria: ICSL Variant Classification Criteria 13 December 2019. Collection method: clinical testing. Allele origin: germline.
Comment: This variant was observed in the ICSL laboratory as part of a predisposition screen in an ostensibly healthy population. It had not been previously curated by ICSL or reported in the Human Gene Mutation Database (HGMD: prior to June 1st, 2018), and was therefore a candidate for classification through an automated scoring system. Utilizing variant allele frequency, disease prevalence and penetrance estimates, and inheritance mode, an automated score was calculated to assess if this variant is too frequent to cause the disease. Based on the score and internal cut-off values, a variant classified as benign is not then subjected to further curation. The score for this variant resulted in a classification of benign for this disease.

GeneDx
Classification: Benign. Last evaluated: 2013-04-04. Review status: criteria provided, single submitter. Criteria: GeneDx Variant Classification (06012015). Collection method: clinical testing. Allele origin: germline. Affected: yes.
Comment: This variant is considered likely benign or benign based on one or more of the following criteria: it is a conservative change, it occurs at a poorly conserved position in the protein, it is predicted to be benign by multiple in silico algorithms, and/or has population frequency not consistent with disease.

Breakthrough Genomics
Classification: Likely benign. Review status: criteria provided, single submitter. Criteria: ACMG Guidelines, 2015. Collection method: not provided. Allele origin: germline. Inheritance: Autosomal dominant inheritance. Affected: yes.

NM_000393.5(COL5A2):c.-34C>T

Gene: COL5A2 (collagen type V alpha 2 chain; minus strand). Cytogenetic location: 2q32.2.
Variant type: single nucleotide variant.
Coding change: c.-34C>T on transcript NM_000393.5 (MANE Select); 34 bases upstream of the start codon, C replaced by T.
Molecular consequence: 5 prime UTR variant.
Genome position (GRCh38, 1-based): chr2:189,179,638, G>A on the plus strand (C>T on the coding strand, the complement: COL5A2 is on the minus strand). VCF-style: chr2-189179638-G-A. GRCh37 (hg19) VCF-style: chr2-190044364-G-A.
Identifiers: ClinVar variation 136967 (VCV000136967.7), dbSNP rs114102476, ClinGen allele CA290415.